The following is an entry in ClinVar:

NM_002335.4(LRP5):c.4623G>A (p.Thr1541=)

Gene: LRP5 (LDL receptor related protein 5; plus strand). Cytogenetic location: 11q13.2.
Variant type: single nucleotide variant.
Coding change: c.4623G>A on transcript NM_002335.4 (MANE Select); coding-DNA position 4623, G replaced by A.
Protein change: p.Thr1541=; no amino-acid change (threonine 1541 retained).
Molecular consequence: synonymous variant.
Genome position (GRCh38, 1-based): chr11:68,448,845, G>A. VCF-style: chr11-68448845-G-A. GRCh37 (hg19) VCF-style: chr11-68216313-G-A.
Other names: p.Thr1541=; c.2880G>A, p.Thr960= (NM_001291902.2).
Identifiers: ClinVar variation 512260 (VCV000512260.20), dbSNP rs139974816, ClinGen allele CA6150471.
Genomic context (GRCh38, chr11:68,448,845, plus strand): 5'-CTCCTCTGTGTGTGTCCCTTTCAGGCCCTACATCATTCGAGGAATGGCGCCCCCGACGAC[G>A]CCCTGCAGCACCGACGTGTGTGACAGCGACTACAGCGCCAGCCGCTGGAAGGCCAGCAAG-3'
Protein context (NP_002326.2, residues 1531-1551): YIIRGMAPPT[Thr1541=]PCSTDVCDSD

ClinVar aggregate classification (germline): Benign/Likely benign. Review status: criteria provided, multiple submitters, no conflicts (2 of 4 stars). 7 submissions from 7 submitters: Benign (1); Likely benign (6). Last evaluated 2026-01-12.

Conditions:
Osteogenesis imperfecta (OI). Identifiers: Orphanet 666, MedGen C0029434, MeSH D010013, MONDO:0019019.

Allele frequency attached by ClinVar (database versions not stated): gnomAD exomes 0.00019 and 0.00035; ExAC 0.00047; 1000 Genomes Project 0.00120; 1000 Genomes Project 30x 0.00125; gnomAD 0.00143 and 0.00155; ESP Exome Variant Server 0.00177; TOPMed 0.00159.
gnomAD v4.1: 502 of 1,610,548 alleles (0.031%); highest among the groups gnomAD compares: African/African-American, 0.54%; no homozygotes.

Submissions (7):

Labcorp Genetics (formerly Invitae), Labcorp
Classification: Benign. Last evaluated: 2026-01-12. Review status: criteria provided, single submitter. Criteria: Invitae Variant Classification Sherloc (09022015). Collection method: clinical testing. Allele origin: germline.

Mayo Clinic Laboratories, Mayo Clinic
Classification: Likely benign. Last evaluated: 2025-02-28. Review status: criteria provided, single submitter. Criteria: ACMG Guidelines, 2015. Collection method: clinical testing. Allele origin: germline. Observed: 3 variant alleles.
Comment: BS1, BP4, BP7

Blueprint Genetics
Classification: Likely benign. Last evaluated: 2024-11-25. Review status: criteria provided, single submitter. Criteria: ACMG Guidelines, 2015. Collection method: clinical testing. Allele origin: germline.

ARUP Laboratories, Molecular Genetics and Genomics, ARUP Laboratories
Classification: Likely benign. Last evaluated: 2023-11-03. Review status: criteria provided, single submitter. Criteria: ARUP Molecular Germline Variant Investigation Process 2024. Collection method: clinical testing. Allele origin: germline.

Genome Diagnostics Laboratory, The Hospital for Sick Children
Classification: Likely benign for Osteogenesis imperfecta. Last evaluated: 2021-02-19. Review status: criteria provided, single submitter. Criteria: ACMG Guidelines, 2015. Collection method: clinical testing. Allele origin: germline.

GeneDx
Classification: Likely benign. Last evaluated: 2020-07-13. Review status: criteria provided, single submitter. Criteria: GeneDx Variant Classification Process June 2021. Collection method: clinical testing. Allele origin: germline. Affected: yes.

Breakthrough Genomics
Classification: Likely benign. Review status: criteria provided, single submitter. Criteria: ACMG Guidelines, 2015. Collection method: not provided. Allele origin: germline. Inheritance: Autosomal recessive inheritance. Affected: yes.